The following is an entry in ClinVar:

ClinVar aggregate classification (germline): Likely benign (1 of 4 stars; one submission).

Conditions:
Hereditary diffuse gastric adenocarcinoma (HDGC). Also called: DIFFUSE GASTRIC AND LOBULAR BREAST CANCER SYNDROME. Identifiers: Orphanet 26106, MedGen C1708349, MONDO:0007648, OMIM 137215.

gnomAD v4.1: 1 of 1,591,292 alleles (0.000063%); highest among the groups gnomAD compares: Non-Finnish European, 0.000086%; no homozygotes.

Submission:

Myriad Genetics, Inc.
Classification: Likely benign for Hereditary diffuse gastric adenocarcinoma. Last evaluated: 2024-10-09. Review status: criteria provided, single submitter. Criteria: Myriad Autosomal Dominant, Autosomal Recessive and X-Linked Classification Criteria (2023). Collection method: clinical testing. Allele origin: unknown.
Comment: This variant is considered likely benign. This variant is intronic and is not expected to impact mRNA splicing.

NM_001903.5(CTNNA1):c.302-10T>C

Gene: CTNNA1 (catenin alpha 1; plus strand). Cytogenetic location: 5q31.2.
Variant type: single nucleotide variant.
Coding change: c.302-10T>C on transcript NM_001903.5 (MANE Select); 10 bases into the intron before coding-DNA position 302, T replaced by C.
Molecular consequence: intron variant.
Genome position (GRCh38, 1-based): chr5:138,810,028, T>C. VCF-style: chr5-138810028-T-C. GRCh37 (hg19) VCF-style: chr5-138145717-T-C.
Other names: c.302-10T>C (NM_001323982.2, NM_001323984.2, NM_001290307.3 and 3 more transcripts); c.-5-73T>C (NM_001290310.3); c.-8-10T>C (NM_001290309.3).
Identifiers: ClinVar variation 3773287 (VCV003773287.1).